The following is an entry in ClinVar:

NM_001972.4(ELANE):c.49C>A (p.Pro17Thr)

Gene: ELANE (elastase, neutrophil expressed; plus strand). Cytogenetic location: 19p13.3.
Variant type: single nucleotide variant.
Coding change: c.49C>A on transcript NM_001972.4 (MANE Select); coding-DNA position 49, C replaced by A.
Protein change: p.Pro17Thr; replaces proline 17 with threonine.
Molecular consequence: missense variant.
Genome position (GRCh38, 1-based): chr19:852,377, C>A. VCF-style: chr19-852377-C-A. GRCh37 (hg19) VCF-style: chr19-852377-C-A.
Other names: short protein forms P17T.
Identifiers: ClinVar variation 4017389 (VCV004017389.1).

ClinVar aggregate classification (germline): Uncertain significance (1 of 4 stars; one submission).

Conditions:
Inborn genetic diseases. Identifiers: MedGen C0950123, MeSH D030342.

Submission:

Ambry Genetics
Classification: Uncertain significance for Inborn genetic diseases. Last evaluated: 2025-05-15. Review status: criteria provided, single submitter. Criteria: Ambry Variant Classification Scheme 2023. Collection method: clinical testing. Allele origin: germline.
Comment: The p.P17T variant (also known as c.49C>A), located in coding exon 1 of the ELANE gene, results from a C to A substitution at nucleotide position 49. The proline at codon 17 is replaced by threonine, an amino acid with highly similar properties. This amino acid position is conserved. In addition, this alteration is predicted to be tolerated by in silico analysis. Based on the available evidence, the clinical significance of this variant remains unclear.